The following is an entry in ClinVar:

NM_000138.5(FBN1):c.2294-1G>C

Gene: FBN1 (fibrillin 1; minus strand). Cytogenetic location: 15q21.1.
Variant type: single nucleotide variant.
Coding change: c.2294-1G>C on transcript NM_000138.5 (MANE Select); the canonical splice acceptor site of the intron before coding-DNA position 2294, G replaced by C.
Molecular consequence: splice acceptor variant.
Genome position (GRCh38, 1-based): chr15:48,496,226, C>G on the plus strand (G>C on the coding strand, the complement: FBN1 is on the minus strand). VCF-style: chr15-48496226-C-G. GRCh37 (hg19) VCF-style: chr15-48788423-C-G.
Other names: c.2294-1G>C (NM_001406716.1).
Identifiers: ClinVar variation 1806145 (VCV001806145.2), dbSNP rs1064793914, ClinGen allele CA392335565.
Genomic context (GRCh38, chr15:48,496,226, plus strand): 5'-GAGTATTTCTACATTGTCCATTGTCACAAAGGAGACTGTTCAGTACACATTCATTAATAT[C>G]TGCAAAGTCAATGAAAATAAACACTTAAAAAGGGCCCAAACTTTGCCTGTATCTACTTTG-3'

ClinVar aggregate classification (germline): Pathogenic/Likely pathogenic. Review status: criteria provided, multiple submitters, no conflicts (2 of 4 stars). 2 submissions from 2 submitters: Pathogenic (1); Likely pathogenic (1). Last evaluated 2023-11-14.

Conditions:
FBN1-related disorder. Also called: FBN1-related disorders.
Marfan syndrome (MFS). Also called: Marfan's syndrome; Marfan syndrome, classic; MARFAN SYNDROME, TYPE I; Marfan syndrome type 1; FBN1-Related Marfan Syndrome. Identifiers: Orphanet 284963, Orphanet 558, MedGen C0024796, MONDO:0007947, OMIM 154700.

Submissions (2):

Blueprint Genetics
Classification: Pathogenic for FBN1-related disorders. Last evaluated: 2023-11-14. Review status: criteria provided, single submitter. Criteria: ACMG Guidelines, 2015. Collection method: clinical testing. Allele origin: germline. Affected: yes. Observed: 4 variant alleles.

Victorian Clinical Genetics Services, Murdoch Childrens Research Institute
Classification: Likely pathogenic for Marfan syndrome. Last evaluated: 2020-10-19. Review status: criteria provided, single submitter. Criteria: ACMG Guidelines, 2015. Collection method: clinical testing. Allele origin: germline. Inheritance: Autosomal dominant inheritance. Affected: yes.
Comment: Based on the classification scheme VCGS_Germline_v1.3.3, this variant is classified as Likely Pathogenic. Following criteria are met: 0103 - Dominant negative and loss of function are known mechanisms of disease in this gene and are associated with Marfan syndrome (MIM#154700). (I) 0107 - This gene is associated with autosomal dominant disease, however, rare reports of autosomal recessive inheritance do exist (OMIM). (I) 0211 - Canonical splice site variant without proven consequence on splicing (no functional evidence available). (SP) 0251 - This variant is heterozygous. (I) 0301 - Variant is absent from gnomAD (both v2 and v3). (SP) 0505 - Abnormal splicing is predicted by in silico tools and affected nucleotide is highly conserved. (SP) 0704 - Another canonical splice site variant comparable to the one identified in this case has limited previous evidence for pathogenicity. An alternate change to thymine at the same nucleotide has previously been classified as pathogenic (ClinVar, HGMD). (SP) 0803 - This variant has limited previous evidence of pathogenicity in an unrelated individuals. The heterozygous variant has previously been reported in two patients from Marfan syndrome cohorts (HGMD, PMIDs: 9399842, 14695540). (SP) 0905 - No published segregation evidence has been identified for this variant. (I) 1007 - No published functional evidence has been identified for this variant. (I) 1101 - Very strong and specific phenotype match for this individual. (SP) 1208 - Inheritance information for this variant is not currently available in this individual. (I) Legend: (SP) - Supporting pathogenic, (I) - Information, (SB) - Supporting benign

Literature cited by the submitters: PubMed 9399842 (cited by Victorian Clinical Genetics Services, Murdoch Childrens Research Institute); PubMed 14695540 (cited by Victorian Clinical Genetics Services, Murdoch Childrens Research Institute).